The following is an entry in ClinVar:

NM_001039141.3(TRIOBP):c.4783C>T (p.Arg1595Cys)

Gene: TRIOBP (TRIO and F-actin binding protein; plus strand). Cytogenetic location: 22q13.1.
Variant type: single nucleotide variant.
Coding change: c.4783C>T on transcript NM_001039141.3 (MANE Select); coding-DNA position 4783, C replaced by T.
Protein change: p.Arg1595Cys; replaces arginine 1595 with cysteine.
Molecular consequence: missense variant.
Genome position (GRCh38, 1-based): chr22:37,735,119, C>T. VCF-style: chr22-37735119-C-T. GRCh37 (hg19) VCF-style: chr22-38131126-C-T.
Other names: short protein forms R1595C.
Identifiers: ClinVar variation 228034 (VCV000228034.22), dbSNP rs201117318, ClinGen allele CA10224448.

ClinVar aggregate classification (germline): Conflicting classifications of pathogenicity. Review status: criteria provided, conflicting classifications (1 of 4 stars). 7 submissions from 7 submitters: Uncertain significance (3); Likely benign (4). Last evaluated 2026-09-13.

Conditions:
TRIOBP-related disorder. Also called: TRIOBP-related condition.
Inborn genetic diseases. Identifiers: MedGen C0950123, MeSH D030342.

Allele frequency attached by ClinVar (database versions not stated): gnomAD exomes 0.00005 and 0.00013; ExAC 0.00015; gnomAD 0.00033 and 0.00034; ESP Exome Variant Server 0.00041; TOPMed 0.00044; 1000 Genomes Project 0.00100; 1000 Genomes Project 30x 0.00125.
gnomAD v4.1: 132 of 1,609,002 alleles (0.0082%); highest among the groups gnomAD compares: African/African-American, 0.14%; 1 homozygote.

Submissions (7):

PreventionGenetics, part of Exact Sciences
Classification: Likely benign for TRIOBP-related condition. Last evaluated: 2026-09-13. Review status: criteria provided, single submitter. Criteria: ACMG Guidelines, 2015. Collection method: clinical testing. Allele origin: germline.
Comment: This variant is classified as likely benign based on ACMG/AMP sequence variant interpretation guidelines (Richards et al. 2015 PMID: 25741868, with internal and published modifications).

Labcorp Genetics (formerly Invitae), Labcorp
Classification: Likely benign. Last evaluated: 2025-10-24. Review status: criteria provided, single submitter. Criteria: Invitae Variant Classification Sherloc (09022015). Collection method: clinical testing. Allele origin: germline.

Blueprint Genetics
Classification: Likely benign. Last evaluated: 2024-01-09. Review status: criteria provided, single submitter. Criteria: ACMG Guidelines, 2015. Collection method: clinical testing. Allele origin: germline.

GeneDx
Classification: Uncertain significance. Last evaluated: 2023-05-17. Review status: criteria provided, single submitter. Criteria: GeneDx Variant Classification Process June 2021. Collection method: clinical testing. Allele origin: germline. Affected: yes.
Comment: In silico analysis supports that this missense variant has a deleterious effect on protein structure/function; Has not been previously published as pathogenic or benign to our knowledge; This variant is associated with the following publications: (PMID: 32579932)

Ambry Genetics
Classification: Uncertain significance for Inborn genetic diseases. Last evaluated: 2021-09-15. Review status: criteria provided, single submitter. Criteria: Ambry Variant Classification Scheme 2023. Collection method: clinical testing. Allele origin: germline.

Eurofins Ntd Llc (ga)
Classification: Uncertain significance. Last evaluated: 2018-01-12. Review status: criteria provided, single submitter. Criteria: EGL Classification Definitions 2015. Collection method: clinical testing. Allele origin: germline. Observed: 1 variant allele, 1 heterozygote.

Laboratory for Molecular Medicine, Mass General Brigham Personalized Medicine
Classification: Likely benign. Last evaluated: 2015-05-17. Review status: criteria provided, single submitter. Criteria: LMM Criteria. Collection method: clinical testing. Allele origin: germline. Observed: 1 variant allele.
Comment: Arg1595Cys in exon 9 of TRIOBP: This variant is not expected to have clinical si gnificance because the arginine (Arg) residue at position 1595 is not conserved through species, with 8 mammals having a cystine (Cys) at this position. It has been identified in 0.15% (14/9258) of African chromosomes by the Exome Aggregati on Consortium (ExAC; dbSNP rs201117318).